The following is an entry in ClinVar:

ClinVar aggregate classification (germline): Uncertain significance (1 of 4 stars; one submission).

Conditions:
Epidermolysis bullosa simplex 3, localized or generalized intermediate, with BP230 deficiency (EBS3). Also called: Epidermolysis bullosa simplex, autosomal recessive 2; Epidermolysis bullosa simplex due to BP230 deficiency. Identifiers: Orphanet 412181, MedGen C3809470, MONDO:0014180, OMIM 615425.
Hereditary sensory and autonomic neuropathy type 6. Also called: Neuropathy, hereditary sensory and autonomic, type VI; HSAN VI. Identifiers: Orphanet 314381, MedGen C3539003, MONDO:0013839, OMIM 614653.

Allele frequency attached by ClinVar (database versions not stated): gnomAD exomes 0.00001; gnomAD 0.00002 and 0.00003; 1000 Genomes Project 30x 0.00016; 1000 Genomes Project 0.00020; TOPMed below 0.00001; ExAC 0.00001.
gnomAD v4.1: 16 of 1,613,586 alleles (0.00099%); highest among the groups gnomAD compares: Admixed American, 0.025%; no homozygotes.

Submission:

Labcorp Genetics (formerly Invitae), Labcorp
Classification: Uncertain significance for Epidermolysis bullosa simplex 3, localized or generalized intermediate, with BP230 deficiency; Hereditary sensory and autonomic neuropathy type 6. Last evaluated: 2025-03-19. Review status: criteria provided, single submitter. Criteria: Invitae Variant Classification Sherloc (09022015). Collection method: clinical testing. Allele origin: germline.
Comment: The DST gene has multiple clinically relevant transcripts. This variant occurs in alternate transcript NM_015548.4, and corresponds to NM_001723.5:c.*106791T>G in the primary transcript. This sequence change replaces phenylalanine, which is neutral and non-polar, with valine, which is neutral and non-polar, at codon 3725 of the DST protein (p.Phe3725Val). This variant is present in population databases (rs202215383, gnomAD 0.006%). This variant has not been reported in the literature in individuals affected with DST-related conditions. Experimental studies and prediction algorithms are not available or were not evaluated, and the functional significance of this variant is currently unknown. In summary, the available evidence is currently insufficient to determine the role of this variant in disease. Therefore, it has been classified as a Variant of Uncertain Significance.

NM_001374736.1(DST):c.19042T>G (p.Phe6348Val)

Gene: DST (dystonin; minus strand). Cytogenetic location: 6p12.1.
Variant type: single nucleotide variant.
Coding change: c.19042T>G on transcript NM_001374736.1 (MANE Select); coding-DNA position 19042, T replaced by G.
Protein change: p.Phe6348Val; replaces phenylalanine 6348 with valine.
Molecular consequence: missense variant.
Genome position (GRCh38, 1-based): chr6:56,508,726, A>C on the plus strand (T>G on the coding strand, the complement: DST is on the minus strand). VCF-style: chr6-56508726-A-C. GRCh37 (hg19) VCF-style: chr6-56373524-A-C.
Other names: c.12685T>G, p.Phe4229Val (NM_001144769.5); c.12271T>G, p.Phe4091Val (NM_001144770.2); c.19042T>G, p.Phe6348Val (NM_001374722.1); c.18082T>G, p.Phe6028Val (NM_001374729.1); c.11824T>G, p.Phe3942Val (NM_001374730.1); c.19069T>G, p.Phe6357Val (NM_001374734.1); c.12151T>G, p.Phe4051Val (NM_001386100.1, NM_183380.4); c.11173T>G, p.Phe3725Val (NM_015548.5); short protein forms F4229V, F3725V, F4051V, F4091V, F6348V, F6357V, F3942V, F6028V.
Identifiers: ClinVar variation 1493826 (VCV001493826.4), dbSNP rs202215383, ClinGen allele CA3867087.